The following is an entry in ClinVar:

NM_006516.4(SLC2A1):c.939dup (p.Gly314fs)

Gene: SLC2A1 (solute carrier family 2 member 1; minus strand). Cytogenetic location: 1p34.2.
Variant type: Duplication.
Coding change: c.939dup on transcript NM_006516.4 (MANE Select); coding-DNA position 939, one base duplicated (C; older notation c.939dupC).
Protein change: p.Gly314fs; shifts the reading frame from glycine 314.
Molecular consequence: frameshift variant.
Genome position (GRCh38, 1-based): chr1:42,929,243, G duplicated on the plus strand (C on the coding strand, the reverse complement: SLC2A1 is on the minus strand); the first of 2 consecutive G bases (chr1:42,929,243-42,929,244); duplicating either gives the same sequence. VCF-style (leftmost placement, unchanged base first): chr1-42929242-C-CG. GRCh37 (hg19) VCF-style: chr1-43394913-C-CG.
Other names: short protein forms G314fs.
Identifiers: ClinVar variation 280372 (VCV000280372.8), dbSNP rs886041590, ClinGen allele CA10602789.

ClinVar aggregate classification (germline): Pathogenic. Review status: criteria provided, multiple submitters, no conflicts (2 of 4 stars). 3 submissions from 3 submitters: Pathogenic (3). Last evaluated 2023-04-11.

Conditions:
Encephalopathy due to GLUT1 deficiency. Also called: GLUT1 deficiency syndrome 1, infantile onset, severe; GLUCOSE TRANSPORT DEFECT, BLOOD-BRAIN BARRIER; GLUT1 deficiency syndrome 1; Glucose transporter protein syndrome; De Vivo disease; Classic Glucose Transporter Type 1 Deficiency Syndrome. Identifiers: Orphanet 71277, MedGen C4551966, MONDO:0011724, OMIM 606777.
GLUT1 deficiency syndrome 1, autosomal recessive. Identifiers: MedGen C3149117.

Submissions (3):

Genome-Nilou Lab
Classification: Pathogenic for Encephalopathy due to GLUT1 deficiency. Last evaluated: 2023-04-11. Review status: criteria provided, single submitter. Criteria: ACMG Guidelines, 2015. Collection method: clinical testing. Allele origin: germline. Affected: no.

Labcorp Genetics (formerly Invitae), Labcorp
Classification: Pathogenic for GLUT1 deficiency syndrome 1, autosomal recessive. Last evaluated: 2021-06-07. Review status: criteria provided, single submitter. Criteria: Invitae Variant Classification Sherloc (09022015). Collection method: clinical testing. Allele origin: germline.
Comment: This sequence change creates a premature translational stop signal (p.Gly314Argfs*67) in the SLC2A1 gene. It is expected to result in an absent or disrupted protein product. Loss-of-function variants in SLC2A1 are known to be pathogenic (PMID: 21832227, 26193382). This variant is not present in population databases (ExAC no frequency). This variant has not been reported in the literature in individuals with SLC2A1-related conditions. ClinVar contains an entry for this variant (Variation ID: 280372). For these reasons, this variant has been classified as Pathogenic.

GeneDx
Classification: Pathogenic. Last evaluated: 2016-02-23. Review status: criteria provided, single submitter. Criteria: GeneDx Variant Classification (06012015). Collection method: clinical testing. Allele origin: germline. Affected: yes.
Comment: The c.939dupC pathogenic variant in the SLC2A1 gene has not been reported previously as a pathogenic variant nor as a benign variant, to our knowledge. The c.939dupC variant causes a frameshift starting with codon Glycine 314, changes this amino acid to an Arginine residue, and creates a premature Stop codon at position 67 of the new reading frame, denoted p.Gly314ArgfsX67. This variant is predicted to cause loss of normal protein function either through protein truncation or nonsense-mediated mRNA decay. The c.939dupC variant was not observed in approximately 6,500 individuals of European and African American ancestry in the NHLBI Exome Sequencing Project, indicating it is not a common benign variant in these populations. We interpret c.939dupC as a pathogenic variant.

Literature cited by the submitters: PubMed 21832227 (cited by Labcorp Genetics (formerly Invitae), Labcorp); PubMed 26193382 (cited by Labcorp Genetics (formerly Invitae), Labcorp).